The following is an entry in ClinVar:

NM_001130438.3(SPTAN1):c.4146+3_4146+4delinsTT

Gene: SPTAN1 (spectrin alpha, non-erythrocytic 1; plus strand). Cytogenetic location: 9q34.11.
Variant type: Indel.
Coding change: c.4146+3_4146+4delinsTT on transcript NM_001130438.3 (MANE Select); bases 3 to 4 of the intron after coding-DNA position 4146, GG replaced by TT.
Molecular consequence: intron variant.
Genome position (GRCh38, 1-based): chr9:128,607,706-128,607,707, GG replaced by TT. VCF-style: chr9-128607706-GG-TT. GRCh37 (hg19) VCF-style: chr9-131369985-GG-TT.
Other names: c.4182+3_4182+4delinsTT (NM_001375318.1, NM_001375312.2, NM_001438440.1); c.4146+3_4146+4delinsTT (NM_001375311.2, NM_001375310.1, NM_001363759.2 and 4 more transcripts); c.4086+3_4086+4delinsTT (NM_001375314.2, NM_001363765.2, NM_001438442.1 and 3 more transcripts).
Identifiers: ClinVar variation 4699768 (VCV004699768.1).

ClinVar aggregate classification (germline): Uncertain significance (1 of 4 stars; one submission).

Conditions:
Early-infantile DEE. Also called: Early infantile epileptic encephalopathy with suppression bursts; Early infantile epileptic encephalopathy; Ohtahara syndrome. Identifiers: Orphanet 1934, MedGen C0393706, MONDO:0800491.

Submission:

Labcorp Genetics (formerly Invitae), Labcorp
Classification: Uncertain significance for Early-infantile DEE. Last evaluated: 2025-08-04. Review status: criteria provided, single submitter. Criteria: Invitae Variant Classification Sherloc (09022015). Collection method: clinical testing. Allele origin: germline.
Comment: This sequence change falls in intron 32 of the SPTAN1 gene. It does not directly change the encoded amino acid sequence of the SPTAN1 protein. It affects a nucleotide within the consensus splice site. Information on the frequency of this variant in the gnomAD database is not available, as this variant may be reported differently in the database. This variant has not been reported in the literature in individuals affected with SPTAN1-related conditions. Variants that disrupt the consensus splice site are a relatively common cause of aberrant splicing (PMID: 17576681, 9536098). In summary, the available evidence is currently insufficient to determine the role of this variant in disease. Therefore, it has been classified as a Variant of Uncertain Significance.

Literature cited by the submitters: PubMed 17576681; PubMed 9536098.